The following is an entry in ClinVar:

ClinVar aggregate classification (germline): Uncertain significance (1 of 4 stars; one submission).

Conditions:
Immunodeficiency 39 (IMD39). Identifiers: Orphanet 574918, MedGen C4225358, MONDO:0014597, OMIM 616345.

gnomAD v4.1: 18 of 1,549,222 alleles (0.0012%); highest among the groups gnomAD compares: Non-Finnish European, 0.0016%; no homozygotes.

Submission:

Labcorp Genetics (formerly Invitae), Labcorp
Classification: Uncertain significance for Immunodeficiency 39. Last evaluated: 2025-11-11. Review status: criteria provided, single submitter. Criteria: Invitae Variant Classification Sherloc (09022015). Collection method: clinical testing. Allele origin: germline.
Comment: This sequence change replaces alanine, which is neutral and non-polar, with serine, which is neutral and polar, at codon 75 of the IRF7 protein (p.Ala75Ser). This variant is not present in population databases (gnomAD no frequency). This variant has not been reported in the literature in individuals affected with IRF7-related conditions. An algorithm developed to predict the effect of missense changes on protein structure and function (PolyPhen-2) suggests that this variant is likely to be disruptive. Algorithms developed to predict the effect of sequence changes on RNA splicing suggest that this variant may disrupt the consensus splice site. In summary, the available evidence is currently insufficient to determine the role of this variant in disease. Therefore, it has been classified as a Variant of Uncertain Significance.

NM_001572.5(IRF7):c.184G>T (p.Ala62Ser)

Gene: IRF7 (interferon regulatory factor 7; minus strand). Cytogenetic location: 11p15.5.
Variant type: single nucleotide variant.
Coding change: c.184G>T on transcript NM_001572.5 (MANE Select); coding-DNA position 184, G replaced by T.
Protein change: p.Ala62Ser; replaces alanine 62 with serine.
Molecular consequence: missense variant.
Genome position (GRCh38, 1-based): chr11:615,007, C>A on the plus strand (G>T on the coding strand, the complement: IRF7 is on the minus strand). VCF-style: chr11-615007-C-A. GRCh37 (hg19) VCF-style: chr11-615007-C-A.
Other names: c.184G>T, p.Ala62Ser (NM_004029.4, NM_001440442.1, NM_001440445.1 and 1 more transcripts); c.223G>T, p.Ala75Ser (NM_004031.4, NM_001440440.1, NM_001440444.1); short protein forms A75S, A62S.
Identifiers: ClinVar variation 4766495 (VCV004766495.1).